The following is an entry in ClinVar:

NM_006208.3(ENPP1):c.1798T>C (p.Tyr600His)

Gene: ENPP1 (ectonucleotide pyrophosphatase/phosphodiesterase 1; plus strand). Cytogenetic location: 6q23.2.
Variant type: single nucleotide variant.
Coding change: c.1798T>C on transcript NM_006208.3 (MANE Select); coding-DNA position 1798, T replaced by C.
Protein change: p.Tyr600His; replaces tyrosine 600 with histidine.
Molecular consequence: missense variant.
Genome position (GRCh38, 1-based): chr6:131,877,066, T>C. VCF-style: chr6-131877066-T-C. GRCh37 (hg19) VCF-style: chr6-132198206-T-C.
Other names: short protein forms Y600H.
Identifiers: ClinVar variation 355344 (VCV000355344.17), dbSNP rs199890118, ClinGen allele CA4002329.
Genomic context (GRCh38, chr6:131,877,066, plus strand): 5'-ACACCGGCTCCTAATAACGGAACTCATGGAAGTCTTAACCACCTTCTAAAGAATCCTGTT[T>C]ATACGCCAAAGCATCCCAAAGAAGTGCACCCCCTGGTACAGTGCCCCTTCACAAGAAACC-3'
Protein context (NP_006199.2, residues 590-610): SLNHLLKNPV[Tyr600His]TPKHPKEVHP

ClinVar aggregate classification (germline): Uncertain significance. Review status: criteria provided, multiple submitters, no conflicts (2 of 4 stars). 6 submissions from 5 submitters: Uncertain significance (6). Last evaluated 2026-01-12.

Conditions:
Arterial calcification, generalized, of infancy, 1 (GACI1). Also called: Idiopathic Infantile Arterial Calcification. Identifiers: Orphanet 51608, MedGen C4551985, MONDO:0008817, OMIM 208000.
Hypophosphatemic rickets, autosomal recessive, 2 (ARHR2). Identifiers: Orphanet 289176, MedGen C2750078, MONDO:0013219, OMIM 613312.
Hypopigmentation-punctate palmoplantar keratoderma syndrome. Also called: GUTTATE HYPOPIGMENTATION AND PUNCTATE PALMOPLANTAR KERATODERMA WITH OR WITHOUT ECTOPIC CALCIFICATION; Cole disease. Identifiers: Orphanet 324561, MedGen C3809781, MONDO:0014227, OMIM 615522.
Type 2 diabetes mellitus. Also called: Type II diabetes mellitus. Identifiers: MedGen C0011860, MeSH D003924, MONDO:0005148, OMIM 125853, HP:0005978.
Obesity. Also called: Obesity disorder. Identifiers: Orphanet 71529, MedGen C0028754, MeSH D009765, MONDO:0011122, HP:0001513.
Inborn genetic diseases. Identifiers: MedGen C0950123, MeSH D030342.

Allele frequency attached by ClinVar (database versions not stated): ESP Exome Variant Server 0.00008; TOPMed 0.00008; ExAC 0.00011; gnomAD 0.00011 and 0.00012; gnomAD exomes 0.00013.
gnomAD v4.1: 214 of 1,613,968 alleles (0.013%); highest among the groups gnomAD compares: Non-Finnish European, 0.016%; no homozygotes.

Submissions (6):

Labcorp Genetics (formerly Invitae), Labcorp
Classification: Uncertain significance. Last evaluated: 2026-01-12. Review status: criteria provided, single submitter. Criteria: Invitae Variant Classification Sherloc (09022015). Collection method: clinical testing. Allele origin: germline.
Comment: This sequence change replaces tyrosine, which is neutral and polar, with histidine, which is basic and polar, at codon 600 of the ENPP1 protein (p.Tyr600His). This variant is present in population databases (rs199890118, gnomAD 0.03%). This variant has not been reported in the literature in individuals affected with ENPP1-related conditions. ClinVar contains an entry for this variant (Variation ID: 355344). Invitae Evidence Modeling of protein sequence and biophysical properties (such as structural, functional, and spatial information, amino acid conservation, physicochemical variation, residue mobility, and thermodynamic stability) indicates that this missense variant is not expected to disrupt ENPP1 protein function with a negative predictive value of 80%. In summary, the available evidence is currently insufficient to determine the role of this variant in disease. Therefore, it has been classified as a Variant of Uncertain Significance.

CeGaT Center for Human Genetics Tuebingen
Classification: Uncertain significance. Last evaluated: 2025-12-01. Review status: criteria provided, single submitter. Criteria: CeGaT Center For Human Genetics Tuebingen Variant Classification Criteria Version 2. Collection method: clinical testing. Allele origin: germline. Affected: yes. Observed: 1 variant allele.
Comment: ENPP1: PM2, BP4

Fulgent Genetics
Classification: Uncertain significance for Type 2 diabetes mellitus; Arterial calcification, generalized, of infancy, 1; Inherited obesity; Hypophosphatemic rickets, autosomal recessive, 2; Hypopigmentation-punctate palmoplantar keratoderma syndrome. Last evaluated: 2021-11-24. Review status: criteria provided, single submitter. Criteria: ACMG Guidelines, 2015. Collection method: clinical testing. Allele origin: unknown.

Ambry Genetics
Classification: Uncertain significance for Inborn genetic diseases. Last evaluated: 2021-07-09. Review status: criteria provided, single submitter. Criteria: Ambry Variant Classification Scheme 2023. Collection method: clinical testing. Allele origin: germline.

Illumina Laboratory Services, Illumina
Classification: Uncertain significance for Arterial calcification, generalized, of infancy, 1. Last evaluated: 2018-01-13. Review status: criteria provided, single submitter. Criteria: ICSL Variant Classification Criteria 13 December 2019. Collection method: clinical testing. Allele origin: germline.

Illumina Laboratory Services, Illumina
Classification: Uncertain significance for Hypophosphatemic rickets, autosomal recessive, 2. Last evaluated: 2018-01-13. Review status: criteria provided, single submitter. Criteria: ICSL Variant Classification Criteria 13 December 2019. Collection method: clinical testing. Allele origin: germline.